The following is an entry in ClinVar:

NM_000751.3(CHRND):c.620-8G>A

Gene: CHRND (cholinergic receptor nicotinic delta subunit; plus strand). Cytogenetic location: 2q37.1.
Variant type: single nucleotide variant.
Coding change: c.620-8G>A on transcript NM_000751.3 (MANE Select); 8 bases into the intron before coding-DNA position 620, G replaced by A.
Molecular consequence: intron variant.
Genome position (GRCh38, 1-based): chr2:232,529,931, G>A. VCF-style: chr2-232529931-G-A. GRCh37 (hg19) VCF-style: chr2-233394641-G-A.
Other names: c.238+1275G>A (NM_001311195.2); c.317-8G>A (NM_001311196.2); c.575-8G>A (NM_001256657.2).
Identifiers: ClinVar variation 706490 (VCV000706490.13), dbSNP rs377074477, ClinGen allele CA2168098.

ClinVar aggregate classification (germline): Benign. Review status: criteria provided, single submitter (1 of 4 stars). 2 submissions from 2 submitters: Benign (1). 1 of the submissions does not count toward it. Last evaluated 2026-01-19.

Conditions:
CHRND-related disorder. Also called: CHRND-Related Disorders; CHRND-related condition.
Lethal multiple pterygium syndrome (LMPS). Identifiers: Orphanet 33108, MedGen C1854678, MONDO:0009668, OMIM 253290.

Allele frequency attached by ClinVar (database versions not stated): gnomAD 0.00007 and 0.00026; TOPMed 0.00008; ESP Exome Variant Server 0.00023; gnomAD exomes 0.00086; ExAC 0.00096; 1000 Genomes Project 30x 0.00141; 1000 Genomes Project 0.00160.
gnomAD v4.1: 634 of 1,613,634 alleles (0.039%); highest among the groups gnomAD compares: South Asian, 0.6%; 6 homozygotes.

Submissions (2):

Labcorp Genetics (formerly Invitae), Labcorp
Classification: Benign for Lethal multiple pterygium syndrome. Last evaluated: 2026-01-19. Review status: criteria provided, single submitter. Criteria: Invitae Variant Classification Sherloc (09022015). Collection method: clinical testing. Allele origin: germline.

PreventionGenetics, part of Exact Sciences
Classification: Likely benign for CHRND-related condition. Last evaluated: 2019-05-10. Review status: no assertion criteria provided. Collection method: clinical testing. Allele origin: germline. Not counted in ClinVar's aggregate classification.
Comment: This variant is classified as likely benign based on ACMG/AMP sequence variant interpretation guidelines (Richards et al. 2015 PMID: 25741868, with internal and published modifications).